The following is an entry in ClinVar:

ClinVar aggregate classification (germline): Uncertain significance. Review status: criteria provided, multiple submitters, no conflicts (2 of 4 stars). 2 submissions from 2 submitters: Uncertain significance (2). Last evaluated 2025-05-04.

Conditions:
Inborn genetic diseases. Identifiers: MedGen C0950123, MeSH D030342.
Epidermolysis bullosa simplex 5B, with muscular dystrophy (EBS5B). Also called: Epidermolysis bullosa simplex with muscular dystrophy; EPIDERMOLYSIS BULLOSA SIMPLEX AND LIMB-GIRDLE MUSCULAR DYSTROPHY. Identifiers: Orphanet 257, MedGen C2931072, MONDO:0009181, OMIM 226670.
Epidermolysis bullosa simplex, Ogna type (EBS5A). Also called: Pidermolysis bullosa simplex 5A, Ogna type; EPIDERMOLYSIS BULLOSA SIMPLEX 5A, OGNA TYPE. Identifiers: Orphanet 79401, MedGen C0432317, MONDO:0007555, OMIM 131950.
Epidermolysis bullosa simplex 5C, with pyloric atresia (EBS5C). Also called: PLEC-Related Epidermolysis Bullosa with Pyloric Atresia; Epidermolysis bullosa simplex with pyloric atresia; PLEC1-Related Epidermolysis Bullosa with Pyloric Atresia. Identifiers: Orphanet 158684, MedGen C2677349, MONDO:0012807, OMIM 612138.
Autosomal recessive limb-girdle muscular dystrophy type 2Q (LGMDR17). Also called: MUSCULAR DYSTROPHY, LIMB-GIRDLE, AUTOSOMAL RECESSIVE 17. Identifiers: Orphanet 254361, MedGen C3150989, MONDO:0013390, OMIM 613723.
Epidermolysis bullosa simplex with nail dystrophy (EBS5D). Identifiers: MedGen C4225309, MONDO:0014661, OMIM 616487.

Allele frequency attached by ClinVar (database versions not stated): gnomAD 0.00002; TOPMed 0.00002.

Submissions (2):

Ambry Genetics
Classification: Uncertain significance for Inborn genetic diseases. Last evaluated: 2025-05-04. Review status: criteria provided, single submitter. Criteria: Ambry Variant Classification Scheme 2023. Collection method: clinical testing. Allele origin: germline.

Labcorp Genetics (formerly Invitae), Labcorp
Classification: Uncertain significance for Autosomal recessive limb-girdle muscular dystrophy type 2Q; Epidermolysis bullosa simplex, Ogna type; Epidermolysis bullosa simplex with nail dystrophy; Epidermolysis bullosa simplex 5C, with pyloric atresia; Epidermolysis bullosa simplex 5B, with muscular dystrophy. Last evaluated: 2022-03-10. Review status: criteria provided, single submitter. Criteria: Invitae Variant Classification Sherloc (09022015). Collection method: clinical testing. Allele origin: germline.
Comment: This variant has not been reported in the literature in individuals affected with PLEC-related conditions. In summary, the available evidence is currently insufficient to determine the role of this variant in disease. Therefore, it has been classified as a Variant of Uncertain Significance. Algorithms developed to predict the effect of missense changes on protein structure and function are either unavailable or do not agree on the potential impact of this missense change (SIFT: "Deleterious"; PolyPhen-2: "Not Available"; Align-GVGD: "Class C0"). This variant is not present in population databases (gnomAD no frequency). This sequence change replaces serine, which is neutral and polar, with leucine, which is neutral and non-polar, at codon 111 of the PLEC protein (p.Ser111Leu).

NM_201384.3(PLEC):c.251C>T (p.Ser84Leu)

Gene: PLEC (plectin; minus strand). Cytogenetic location: 8q24.3.
Variant type: single nucleotide variant.
Coding change: c.251C>T on transcript NM_201384.3 (MANE Select); coding-DNA position 251, C replaced by T.
Protein change: p.Ser84Leu; replaces serine 84 with leucine.
Molecular consequence: missense variant.
Genome position (GRCh38, 1-based): chr8:143,938,164, G>A on the plus strand (C>T on the coding strand, the complement: PLEC is on the minus strand). VCF-style: chr8-143938164-G-A. GRCh37 (hg19) VCF-style: chr8-145012332-G-A.
Other names: c.332C>T, p.Ser111Leu (NM_000445.5, NM_001410941.1); c.209C>T, p.Ser70Leu (NM_201378.4); c.185C>T, p.Ser62Leu (NM_201379.3); c.662C>T, p.Ser221Leu (NM_201380.4); c.155C>T, p.Ser52Leu (NM_201381.3); c.251C>T, p.Ser84Leu (NM_201382.4); c.263C>T, p.Ser88Leu (NM_201383.3); c.332C>T (NM_000445.3); short protein forms S111L, S221L, S62L, S88L, S52L, S70L, S84L.
Identifiers: ClinVar variation 2166598 (VCV002166598.6), dbSNP rs1391359888, ClinGen allele CA372592003.